The following is an entry in ClinVar:

ClinVar aggregate classification (germline): Uncertain significance (1 of 4 stars; one submission).

Conditions:
Inborn genetic diseases. Identifiers: MedGen C0950123, MeSH D030342.

Submission:

Ambry Genetics
Classification: Uncertain significance for Inborn genetic diseases. Last evaluated: 2025-03-02. Review status: criteria provided, single submitter. Criteria: Ambry Variant Classification Scheme 2023. Collection method: clinical testing. Allele origin: germline.
Comment: The p.D444N variant (also known as c.1330G>A), located in coding exon 13 of the DDX41 gene, results from a G to A substitution at nucleotide position 1330. The aspartic acid at codon 444 is replaced by asparagine, an amino acid with highly similar properties. This amino acid position is conserved. In addition, the in silico prediction for this alteration is inconclusive. Based on the available evidence, the clinical significance of this variant remains unclear.

NM_016222.4(DDX41):c.1330G>A (p.Asp444Asn)

Gene: DDX41 (DEAD-box helicase 41; minus strand). Cytogenetic location: 5q35.3.
Variant type: single nucleotide variant.
Coding change: c.1330G>A on transcript NM_016222.4 (MANE Select); coding-DNA position 1330, G replaced by A.
Protein change: p.Asp444Asn; replaces aspartic acid 444 with asparagine.
Molecular consequence: missense variant.
Genome position (GRCh38, 1-based): chr5:177,512,849, C>T on the plus strand (G>A on the coding strand, the complement: DDX41 is on the minus strand). VCF-style: chr5-177512849-C-T. GRCh37 (hg19) VCF-style: chr5-176939850-C-T.
Other names: c.952G>A, p.Asp318Asn (NM_001321732.2, NM_001321830.2); short protein forms D318N, D444N.
Identifiers: ClinVar variation 3839061 (VCV003839061.1).